The following is an entry in ClinVar:

ClinVar aggregate classification (germline): Uncertain significance. Review status: criteria provided, multiple submitters, no conflicts (2 of 4 stars). 2 submissions from 2 submitters: Uncertain significance (2). Last evaluated 2025-04-14.

Conditions:
Hereditary cancer-predisposing syndrome. Also called: Tumor predisposition; Hereditary Cancer Syndrome; Neoplastic Syndromes, Hereditary; Hereditary neoplastic syndrome. Identifiers: Orphanet 140162, MedGen C0027672, MeSH D009386, MONDO:0015356.
Gorlin syndrome. Also called: Nevoid Basal Cell Carcinoma Syndrome; Basal cell nevus syndrome. Identifiers: Orphanet 377, MedGen C0004779, MONDO:0007187.

Submissions (2):

Labcorp Genetics (formerly Invitae), Labcorp
Classification: Uncertain significance for Gorlin syndrome. Last evaluated: 2025-04-14. Review status: criteria provided, single submitter. Criteria: Invitae Variant Classification Sherloc (09022015). Collection method: clinical testing. Allele origin: germline.
Comment: This sequence change replaces proline, which is neutral and non-polar, with serine, which is neutral and polar, at codon 957 of the PTCH1 protein (p.Pro957Ser). This variant is not present in population databases (gnomAD no frequency). This variant has not been reported in the literature in individuals affected with PTCH1-related conditions. ClinVar contains an entry for this variant (Variation ID: 862941). Invitae Evidence Modeling of protein sequence and biophysical properties (such as structural, functional, and spatial information, amino acid conservation, physicochemical variation, residue mobility, and thermodynamic stability) has been performed for this missense variant. However, the output from this modeling did not meet the statistical confidence thresholds required to predict the impact of this variant on PTCH1 protein function. In summary, the available evidence is currently insufficient to determine the role of this variant in disease. Therefore, it has been classified as a Variant of Uncertain Significance.

Ambry Genetics
Classification: Uncertain significance for Hereditary cancer-predisposing syndrome. Last evaluated: 2024-11-05. Review status: criteria provided, single submitter. Criteria: Ambry Variant Classification Scheme 2023. Collection method: clinical testing. Allele origin: germline.
Comment: The p.P957S variant (also known as c.2869C>T), located in coding exon 17 of the PTCH1 gene, results from a C to T substitution at nucleotide position 2869. The proline at codon 957 is replaced by serine, an amino acid with similar properties. This amino acid position is highly conserved in available vertebrate species. In addition, the in silico prediction for this alteration is inconclusive. Since supporting evidence is limited at this time, the clinical significance of this alteration remains unclear.

NM_000264.5(PTCH1):c.2869C>T (p.Pro957Ser)

Gene: PTCH1 (patched 1; minus strand). Cytogenetic location: 9q22.32.
Variant type: single nucleotide variant.
Coding change: c.2869C>T on transcript NM_000264.5 (MANE Select); coding-DNA position 2869, C replaced by T.
Protein change: p.Pro957Ser; replaces proline 957 with serine.
Molecular consequence: missense variant. On other transcripts: non-coding transcript variant (1).
Genome position (GRCh38, 1-based): chr9:95,459,618, G>A on the plus strand (C>T on the coding strand, the complement: PTCH1 is on the minus strand). VCF-style: chr9-95459618-G-A. GRCh37 (hg19) VCF-style: chr9-98221900-G-A.
Other names: c.2671C>T, p.Pro891Ser (NM_001083602.3); c.2866C>T, p.Pro956Ser (NM_001083603.3); c.2416C>T, p.Pro806Ser (NM_001083604.3, NM_001083605.3, NM_001083606.3 and 1 more transcripts); c.2713C>T, p.Pro905Ser (NM_001354918.2); short protein forms P956S, P806S, P891S, P905S, P957S.
Identifiers: ClinVar variation 862941 (VCV000862941.11), dbSNP rs1839275609, ClinGen allele CA374112904.